The following is an entry in ClinVar:

ClinVar aggregate classification (germline): Pathogenic (1 of 4 stars; one submission).

Conditions:
Familial thoracic aortic aneurysm and aortic dissection (TAAD). Also called: Thoracic aortic aneurysms and dissections. Identifiers: Orphanet 91387, MedGen C4707243, MONDO:0019625.
Marfan syndrome (MFS). Also called: Marfan syndrome type 1; Marfan's syndrome; Marfan syndrome, classic; MARFAN SYNDROME, TYPE I; FBN1-Related Marfan Syndrome. Identifiers: Orphanet 284963, Orphanet 558, MedGen C0024796, MONDO:0007947, OMIM 154700.

Submission:

Labcorp Genetics (formerly Invitae), Labcorp
Classification: Pathogenic for Marfan syndrome; Familial thoracic aortic aneurysm and aortic dissection. Last evaluated: 2025-12-29. Review status: criteria provided, single submitter. Criteria: Invitae Variant Classification Sherloc (09022015). Collection method: clinical testing. Allele origin: germline.
Comment: This sequence change creates a premature translational stop signal (p.Gln1618*) in the FBN1 gene. It is expected to result in an absent or disrupted protein product. Loss-of-function variants in FBN1 are known to be pathogenic (PMID: 17657824, 19293843). This variant is not present in population databases (gnomAD no frequency). This premature translational stop signal has been observed in individual(s) with Marfan syndrome (PMID: 19839986). ClinVar contains an entry for this variant (Variation ID: 1071751). For these reasons, this variant has been classified as Pathogenic.

Literature cited by the submitters: PubMed 17657824; PubMed 19293843; PubMed 19839986.

NM_000138.5(FBN1):c.4852C>T (p.Gln1618Ter)

Gene: FBN1 (fibrillin 1; minus strand). Cytogenetic location: 15q21.1.
Variant type: single nucleotide variant.
Coding change: c.4852C>T on transcript NM_000138.5 (MANE Select); coding-DNA position 4852, C replaced by T.
Protein change: p.Gln1618Ter; replaces glutamine 1618 with a stop codon.
Molecular consequence: nonsense.
Genome position (GRCh38, 1-based): chr15:48,465,658, G>A on the plus strand (C>T on the coding strand, the complement: FBN1 is on the minus strand). VCF-style: chr15-48465658-G-A. GRCh37 (hg19) VCF-style: chr15-48757855-G-A.
Other names: short protein forms Q1618*.
Identifiers: ClinVar variation 1071751 (VCV001071751.9), dbSNP rs2141269730, ClinGen allele CA392351279.